The following is an entry in ClinVar:

NM_014423.4(AFF4):c.457C>T (p.Arg153Cys)

Gene: AFF4 (ALF transcription elongation factor 4; minus strand). Cytogenetic location: 5q31.1.
Variant type: single nucleotide variant.
Coding change: c.457C>T on transcript NM_014423.4 (MANE Select); coding-DNA position 457, C replaced by T.
Protein change: p.Arg153Cys; replaces arginine 153 with cysteine.
Molecular consequence: missense variant.
Genome position (GRCh38, 1-based): chr5:132,934,608, G>A on the plus strand (C>T on the coding strand, the complement: AFF4 is on the minus strand). VCF-style: chr5-132934608-G-A. GRCh37 (hg19) VCF-style: chr5-132270300-G-A.
Other names: c.457C>T (NM_014423.3); short protein forms R153C.
Identifiers: ClinVar variation 3681243 (VCV003681243.3).

ClinVar aggregate classification (germline): Uncertain significance. Review status: criteria provided, multiple submitters, no conflicts (2 of 4 stars). 2 submissions from 2 submitters: Uncertain significance (2). Last evaluated 2025-04-16.

Conditions:
AFF4-related disorder. Also called: AFF4-related condition.
Cognitive impairment - coarse facies - heart defects - obesity - pulmonary involvement - short stature - skeletal dysplasia syndrome. Also called: COGNITIVE IMPAIRMENT, COARSE FACIES, HEART DEFECTS, OBESITY, PULMONARY INVOLVEMENT, SHORT STATURE, AND SKELETAL DYSPLASIA; Chops syndrome; AFF4-Related CHOPS Syndrome. Identifiers: Orphanet 444077, MedGen C4085597, MONDO:0014609, OMIM 616368.

gnomAD v4.1: 6 of 1,613,892 alleles (0.00037%); highest among the groups gnomAD compares: East Asian, 0.0022%; no homozygotes.

Submissions (2):

PreventionGenetics, part of Exact Sciences
Classification: Uncertain significance for AFF4-related condition. Last evaluated: 2025-04-16. Review status: criteria provided, single submitter. Criteria: ACMG Guidelines, 2015. Collection method: clinical testing. Allele origin: germline.
Comment: The AFF4 c.457C>T variant is predicted to result in the amino acid substitution p.Arg153Cys. To our knowledge, this variant has not been reported in the literature or in a large population database (gnomAD), indicating this variant is rare. At this time, the clinical significance of this variant is uncertain due to the absence of conclusive functional and genetic evidence.

Labcorp Genetics (formerly Invitae), Labcorp
Classification: Uncertain significance for Cognitive impairment - coarse facies - heart defects - obesity - pulmonary involvement - short stature - skeletal dysplasia syndrome. Last evaluated: 2025-03-18. Review status: criteria provided, single submitter. Criteria: Invitae Variant Classification Sherloc (09022015). Collection method: clinical testing. Allele origin: germline.
Comment: This sequence change replaces arginine, which is basic and polar, with cysteine, which is neutral and slightly polar, at codon 153 of the AFF4 protein (p.Arg153Cys). This variant is not present in population databases (gnomAD no frequency). This variant has not been reported in the literature in individuals affected with AFF4-related conditions. An algorithm developed to predict the effect of missense changes on protein structure and function (PolyPhen-2) suggests that this variant is likely to be disruptive. In summary, the available evidence is currently insufficient to determine the role of this variant in disease. Therefore, it has been classified as a Variant of Uncertain Significance.